The following is an entry in ClinVar:

ClinVar aggregate classification (germline): Pathogenic. Review status: criteria provided, multiple submitters, no conflicts (2 of 4 stars). 4 submissions from 4 submitters: Pathogenic (2). 2 of the submissions do not count toward it. Last evaluated 2018-10-31.

Conditions:
Congenital adrenal hypoplasia, X-linked (AHC). Also called: X-linked AHC; X-Linked Adrenal Hypoplasia Congenita; ADRENAL HYPOPLASIA, CONGENITAL, WITH HYPOGONADOTROPIC HYPOGONADISM; Isolated X-Linked Adrenal Hypoplasia Congenita. Identifiers: Orphanet 95702, MedGen C0342482, MONDO:0010264, OMIM 300200. Disease mechanism: loss of function.
46,XY sex reversal 2. Also called: NR0B1-Related 46,XY CGD; NR0B1-related 46,XY complete gonadal dysgenesis; Dosage-sensitive sex reversal; 46,XY SEX REVERSAL, DAX1-RELATED; 46XY sex reversal 2, dosage-sensitive. Identifiers: MedGen C1848296, MONDO:0010226, OMIM 300018.

Submissions (4):

Fulgent Genetics
Classification: Pathogenic for 46,XY sex reversal 2; Congenital adrenal hypoplasia, X-linked. Last evaluated: 2018-10-31. Review status: criteria provided, single submitter. Criteria: ACMG Guidelines, 2015. Collection method: clinical testing. Allele origin: unknown.

GeneDx
Classification: Pathogenic. Last evaluated: 2015-09-16. Review status: criteria provided, single submitter. Criteria: GeneDx Variant Classification (06012015). Collection method: clinical testing. Allele origin: germline. Affected: yes.
Comment: The W236X variant has been reported previously in association with X-linked adrenal hypoplasia congenita (AHC) (Holzinger et al., 2008). It is predicted to cause loss of normal protein function either through protein truncation or nonsense-mediated mRNA decay. Therefore, this variant is interpreted as pathogenic.

Beijing Key Laboratory for Genetic Research of Skeletal Deformity, Peking Union Medical College Hospital
Classification: Pathogenic for Congenital adrenal hypoplasia, X-linked. Last evaluated: 2019-05-31. Review status: no assertion criteria provided. Collection method: research. Allele origin: maternal. Affected: yes. Not counted in ClinVar's aggregate classification.

Clinical Molecular Genetics Laboratory, Johns Hopkins All Children's Hospital
Classification: Pathogenic for Congenital adrenal hypoplasia, X-linked. Last evaluated: 2014-05-14. Review status: no assertion criteria provided. Collection method: clinical testing. Allele origin: germline. Affected: yes. Not counted in ClinVar's aggregate classification.

NM_000475.5(NR0B1):c.708G>A (p.Trp236Ter)

Gene: NR0B1 (nuclear receptor subfamily 0 group B member 1; minus strand). Cytogenetic location: Xp21.2.
Variant type: single nucleotide variant.
Coding change: c.708G>A on transcript NM_000475.5 (MANE Select); coding-DNA position 708, G replaced by A.
Protein change: p.Trp236Ter; replaces tryptophan 236 with a stop codon.
Molecular consequence: nonsense.
Genome position (GRCh38, 1-based): chrX:30,308,656, C>T on the plus strand (G>A on the coding strand, the complement: NR0B1 is on the minus strand). VCF-style: chrX-30308656-C-T. GRCh37 (hg19) VCF-style: chrX-30326773-C-T.
Other names: short protein forms W236*.
Identifiers: ClinVar variation 429744 (VCV000429744.4), dbSNP rs1131691564, ClinGen allele CA412548049.